The following is an entry in ClinVar:

NM_004525.3(LRP2):c.5039T>A (p.Met1680Lys)

Gene: LRP2 (LDL receptor related protein 2; minus strand). Cytogenetic location: 2q31.1.
Variant type: single nucleotide variant.
Coding change: c.5039T>A on transcript NM_004525.3 (MANE Select); coding-DNA position 5039, T replaced by A.
Protein change: p.Met1680Lys; replaces methionine 1680 with lysine.
Molecular consequence: missense variant.
Genome position (GRCh38, 1-based): chr2:169,233,470, A>T on the plus strand (T>A on the coding strand, the complement: LRP2 is on the minus strand). VCF-style: chr2-169233470-A-T. GRCh37 (hg19) VCF-style: chr2-170089980-A-T.
Other names: short protein forms M1680K.
Identifiers: ClinVar variation 2000123 (VCV002000123.4), dbSNP rs1323177715, ClinGen allele CA349141079.
Genomic context (GRCh38, chr2:169,233,470, plus strand): 5'-CAATTTGGTTGTTTCGAAGGATGAACCGCAACAATCCCAAGGGGCCATTGAATATTATAC[A>T]TTACAACTGACTGGTTCCCTCCATGCCACTTGTTGGCTCGCATAACCCGACGAGTAGCAC-3'
Protein context (NP_004516.2, residues 1670-1690): KWHGGNQSVV[Met1680Lys]YNIQWPLGIV

ClinVar aggregate classification (germline): Uncertain significance (1 of 4 stars; one submission).

Submission:

Labcorp Genetics (formerly Invitae), Labcorp
Classification: Uncertain significance. Last evaluated: 2022-05-28. Review status: criteria provided, single submitter. Criteria: Invitae Variant Classification Sherloc (09022015). Collection method: clinical testing. Allele origin: germline.
Comment: This sequence change replaces methionine, which is neutral and non-polar, with lysine, which is basic and polar, at codon 1680 of the LRP2 protein (p.Met1680Lys). This variant is not present in population databases (gnomAD no frequency). This variant has not been reported in the literature in individuals affected with LRP2-related conditions. Algorithms developed to predict the effect of missense changes on protein structure and function are either unavailable or do not agree on the potential impact of this missense change (SIFT: "Deleterious"; PolyPhen-2: "Benign"; Align-GVGD: "Class C0"). In summary, the available evidence is currently insufficient to determine the role of this variant in disease. Therefore, it has been classified as a Variant of Uncertain Significance.